The following is an entry in ClinVar:

ClinVar aggregate classification (germline): Pathogenic/Likely pathogenic. Review status: criteria provided, multiple submitters, no conflicts (2 of 4 stars). 3 submissions from 3 submitters: Pathogenic (1); Likely pathogenic (1). 1 of the submissions does not count toward it. Last evaluated 2024-04-05.

Conditions:
Peroxisome biogenesis disorder type 3B. Identifiers: Orphanet 44, Orphanet 772, MedGen C3550693, MONDO:0009959, OMIM 266510.
Peroxisome biogenesis disorder 3A (Zellweger). Also called: PEROXISOMAL BIOGENESIS DISORDER 3A (ZELLWEGER); Peroxisome biogenesis disorder 3A. Identifiers: Orphanet 912, MedGen C3553929, MONDO:0013927, OMIM 614859.

Allele frequency attached by ClinVar (database versions not stated): gnomAD exomes below 0.00001; ExAC 0.00001; TOPMed 0.00002.

Submissions (3):

Labcorp Genetics (formerly Invitae), Labcorp
Classification: Pathogenic for Peroxisome biogenesis disorder 3A (Zellweger). Last evaluated: 2024-04-05. Review status: criteria provided, single submitter. Criteria: Invitae Variant Classification Sherloc (09022015). Collection method: clinical testing. Allele origin: germline.
Comment: This sequence change creates a premature translational stop signal (p.Trp263*) in the PEX12 gene. While this is not anticipated to result in nonsense mediated decay, it is expected to disrupt the last 97 amino acid(s) of the PEX12 protein. The frequency data for this variant in the population databases is considered unreliable, as metrics indicate poor data quality at this position in the gnomAD database. This variant has not been reported in the literature in individuals affected with PEX12-related conditions. ClinVar contains an entry for this variant (Variation ID: 551557). This variant disrupts a region of the PEX12 protein in which other variant(s) (p.Leu297Thrfs*12) have been determined to be pathogenic (PMID: 9792857, 14571262, 21031596, 25287621, 26094004). This suggests that this is a clinically significant region of the protein, and that variants that disrupt it are likely to be disease-causing. For these reasons, this variant has been classified as Pathogenic.

Baylor Genetics
Classification: Likely pathogenic for Peroxisome biogenesis disorder 3A (Zellweger). Last evaluated: 2023-11-29. Review status: criteria provided, single submitter. Criteria: ACMG Guidelines, 2015. Collection method: clinical testing. Allele origin: unknown.

Counsyl
Classification: Likely pathogenic for Peroxisome biogenesis disorder type 3B; Peroxisome biogenesis disorder 3A (Zellweger). Last evaluated: 2017-04-18. Review status: no assertion criteria provided. Collection method: clinical testing. Allele origin: unknown. Not counted in ClinVar's aggregate classification.

Literature cited by the submitters: PubMed 9792857 (cited by Labcorp Genetics (formerly Invitae), Labcorp); PubMed 14571262 (cited by Labcorp Genetics (formerly Invitae), Labcorp); PubMed 21031596 (cited by Labcorp Genetics (formerly Invitae), Labcorp); PubMed 25287621 (cited by Labcorp Genetics (formerly Invitae), Labcorp); PubMed 26094004 (cited by Labcorp Genetics (formerly Invitae), Labcorp).

NM_000286.3(PEX12):c.789G>A (p.Trp263Ter)

Gene: PEX12 (peroxisomal biogenesis factor 12; minus strand). Cytogenetic location: 17q12.
Variant type: single nucleotide variant.
Coding change: c.789G>A on transcript NM_000286.3 (MANE Select); coding-DNA position 789, G replaced by A.
Protein change: p.Trp263Ter; replaces tryptophan 263 with a stop codon.
Molecular consequence: nonsense.
Genome position (GRCh38, 1-based): chr17:35,576,073, C>T on the plus strand (G>A on the coding strand, the complement: PEX12 is on the minus strand). VCF-style: chr17-35576073-C-T. GRCh37 (hg19) VCF-style: chr17-33903092-C-T.
Other names: short protein forms W263*.
Identifiers: ClinVar variation 551557 (VCV000551557.11), dbSNP rs747099919, ClinGen allele CA8504840.